The following is an entry in ClinVar:

NM_198253.3(TERT):c.2142G>A (p.Thr714=)

Gene: TERT (telomerase reverse transcriptase; minus strand). Cytogenetic location: 5p15.33.
Variant type: single nucleotide variant.
Coding change: c.2142G>A on transcript NM_198253.3 (MANE Select); coding-DNA position 2142, G replaced by A.
Protein change: p.Thr714=; no amino-acid change (threonine 714 retained).
Molecular consequence: synonymous variant. On other transcripts: non-coding transcript variant (1).
Genome position (GRCh38, 1-based): chr5:1,278,785, C>T on the plus strand (G>A on the coding strand, the complement: TERT is on the minus strand). VCF-style: chr5-1278785-C-T. GRCh37 (hg19) VCF-style: chr5-1278900-C-T.
Other names: c.2142G>A, p.Thr714= (NM_001193376.3).
Identifiers: ClinVar variation 785186 (VCV000785186.15), dbSNP rs762534978, ClinGen allele CA3184641.

ClinVar aggregate classification (germline): Likely benign. Review status: criteria provided, multiple submitters, no conflicts (2 of 4 stars). 4 submissions from 4 submitters: Likely benign (3). 1 of the submissions does not count toward it. Last evaluated 2025-05-07.

Conditions:
TERT-related disorder. Also called: TERT-related condition; TERT-related disorders.
Dyskeratosis congenita. Identifiers: Orphanet 1775, MedGen C0265965, MONDO:0015780.
Dyskeratosis congenita, autosomal dominant 2. Identifiers: MedGen C3151443, MONDO:0013521, OMIM 613989.
Idiopathic Pulmonary Fibrosis. Also called: Idiopathic fibrosing alveolitis, chronic form; idiopathic fibrosing alveolitis. Identifiers: Orphanet 2032, MedGen C1800706, MeSH D054990, MONDO:0800504.

Allele frequency attached by ClinVar (database versions not stated): ExAC 0.00001; gnomAD 0.00001; TOPMed 0.00001; gnomAD exomes 0.00002.
gnomAD v4.1: 24 of 1,614,110 alleles (0.0015%); highest among the groups gnomAD compares: East Asian, 0.0067%; no homozygotes.

Submissions (4):

Labcorp Genetics (formerly Invitae), Labcorp
Classification: Likely benign for Dyskeratosis congenita, autosomal dominant 2; Idiopathic Pulmonary Fibrosis. Last evaluated: 2025-05-07. Review status: criteria provided, single submitter. Criteria: Invitae Variant Classification Sherloc (09022015). Collection method: clinical testing. Allele origin: germline.

Blueprint Genetics
Classification: Likely benign. Last evaluated: 2023-03-20. Review status: criteria provided, single submitter. Criteria: ACMG Guidelines, 2015. Collection method: clinical testing. Allele origin: germline.

Ambry Genetics
Classification: Likely benign for Dyskeratosis congenita. Last evaluated: 2022-05-07. Review status: criteria provided, single submitter. Criteria: Ambry Variant Classification Scheme 2023. Collection method: clinical testing. Allele origin: germline.

PreventionGenetics, part of Exact Sciences
Classification: Likely benign for TERT-related condition. Last evaluated: 2024-03-22. Review status: no assertion criteria provided. Collection method: clinical testing. Allele origin: germline. Not counted in ClinVar's aggregate classification.
Comment: This variant is classified as likely benign based on ACMG/AMP sequence variant interpretation guidelines (Richards et al. 2015 PMID: 25741868, with internal and published modifications).